The following is an entry in ClinVar:

NM_012330.4(KAT6B):c.3231_3242dup (p.Glu1080_Glu1081insAspGluGluGlu)

Gene: KAT6B (lysine acetyltransferase 6B; plus strand). Cytogenetic location: 10q22.2.
Variant type: Duplication.
Coding change: c.3231_3242dup on transcript NM_012330.4 (MANE Select); coding-DNA positions 3231 to 3242, 12 bases duplicated (CGAGGAGGAGGA).
Protein change: p.Glu1080_Glu1081insAspGluGluGlu.
Molecular consequence: inframe insertion.
Genome position (GRCh38, 1-based): chr10:75,022,090-75,022,101, CGAGGAGGAGGA duplicated; duplicating any 12 consecutive bases within chr10:75,022,079-75,022,101 gives the same sequence; the c. name uses the placement nearest the transcript's 3' end. VCF-style (leftmost placement, unchanged base first): chr10-75022078-G-GGAGGAGGAGGAC. GRCh37 (hg19) VCF-style: chr10-76781836-G-GGAGGAGGAGGAC.
Other names: c.2166_2177dup, p.Glu725_Glu726insAspGluGluGlu (NM_001370144.1, NM_001370143.1); c.2682_2693dup, p.Glu897_Glu898insAspGluGluGlu (NM_001256468.2, NM_001370138.1); c.2355_2366dup, p.Glu788_Glu789insAspGluGluGlu (NM_001256469.2, NM_001370139.1, NM_001370140.1 and 2 more transcripts); c.2193_2204dup, p.Glu734_Glu735insAspGluGluGlu (NM_001370132.1); c.1542_1553dup, p.Glu517_Glu518insAspGluGluGlu (NM_001370133.1); c.1146_1157dup, p.Glu385_Glu386insAspGluGluGlu (NM_001370134.1); c.888_899dup, p.Glu299_Glu300insAspGluGluGlu (NM_001370135.1); c.3231_3242dup, p.Glu1080_Glu1081insAspGluGluGlu (NM_001370136.1, NM_001370137.1).
Identifiers: ClinVar variation 2017984 (VCV002017984.4), dbSNP rs569172957, ClinGen allele CA668385905.

ClinVar aggregate classification (germline): Uncertain significance (1 of 4 stars; one submission).

Conditions:
Genitopatellar syndrome (GTPTS). Also called: ABSENT PATELLAE, SCROTAL HYPOPLASIA, RENAL ANOMALIES, FACIAL DYSMORPHISM, AND MENTAL RETARDATION; Genitopatellar syndrome (GPS). Identifiers: Orphanet 85201, MedGen C1853566, MONDO:0011640, OMIM 606170.

Submission:

Labcorp Genetics (formerly Invitae), Labcorp
Classification: Uncertain significance for Genitopatellar syndrome. Last evaluated: 2023-10-20. Review status: criteria provided, single submitter. Criteria: Invitae Variant Classification Sherloc (09022015). Collection method: clinical testing. Allele origin: germline.
Comment: This variant, c.3231_3242dup, results in the insertion of 4 amino acid(s) of the KAT6B protein (p.Asp1077_Glu1080dup), but otherwise preserves the integrity of the reading frame. This variant is not present in population databases (gnomAD no frequency). This variant has not been reported in the literature in individuals affected with KAT6B-related conditions. ClinVar contains an entry for this variant (Variation ID: 2017984). In summary, the available evidence is currently insufficient to determine the role of this variant in disease. Therefore, it has been classified as a Variant of Uncertain Significance.